The following is an entry in ClinVar:

ClinVar aggregate classification (germline): Uncertain significance (1 of 4 stars; one submission).

Conditions:
Basal ganglia calcification, idiopathic, 6 (PFBC6). Also called: PRIMARY FAMILIAL BRAIN CALCIFICATION 6, AUTOSOMAL DOMINANT. Identifiers: Orphanet 1980, MedGen C4225335, MONDO:0014628, OMIM 616413.

Submission:

Institute of Human Genetics, University of Leipzig Medical Center
Classification: Uncertain significance for Basal ganglia calcification, idiopathic, 6. Last evaluated: 2024-12-02. Review status: criteria provided, single submitter. Criteria: ACMG Guidelines, 2015. Collection method: clinical testing. Allele origin: maternal. Inheritance: Autosomal dominant inheritance. Affected: yes.
Comment: Criteria applied: PM1,PM2,PP2

NM_004736.4(XPR1):c.1229T>A (p.Leu410Gln)

Gene: XPR1 (xenotropic and polytropic retrovirus receptor 1; plus strand). Cytogenetic location: 1q25.3.
Variant type: single nucleotide variant.
Coding change: c.1229T>A on transcript NM_004736.4 (MANE Select); coding-DNA position 1229, T replaced by A.
Protein change: p.Leu410Gln; replaces leucine 410 with glutamine.
Molecular consequence: missense variant.
Genome position (GRCh38, 1-based): chr1:180,834,968, T>A. VCF-style: chr1-180834968-T-A. GRCh37 (hg19) VCF-style: chr1-180804104-T-A.
Other names: c.1229T>A, p.Leu410Gln (NM_001135669.2, NM_001328662.2); short protein forms L410Q.
Identifiers: ClinVar variation 3572878 (VCV003572878.3).